The following is an entry in ClinVar:

NM_001009944.3(PKD1):c.7566C>T (p.Cys2522=)

Gene: PKD1 (polycystin 1, transient receptor potential channel interacting; minus strand). Cytogenetic location: 16p13.3.
Variant type: single nucleotide variant.
Coding change: c.7566C>T on transcript NM_001009944.3 (MANE Select); coding-DNA position 7566, C replaced by T.
Protein change: p.Cys2522=; no amino-acid change (cysteine 2522 retained).
Molecular consequence: synonymous variant.
Genome position (GRCh38, 1-based): chr16:2,106,228, G>A on the plus strand (C>T on the coding strand, the complement: PKD1 is on the minus strand). VCF-style: chr16-2106228-G-A. GRCh37 (hg19) VCF-style: chr16-2156229-G-A.
Other names: NC_000016.9:g.2156229G>A; c.7566C>T, p.Cys2522= (NM_000296.4).
Identifiers: ClinVar variation 3892036 (VCV003892036.5).

ClinVar aggregate classification (germline): Conflicting classifications of pathogenicity. Review status: criteria provided, conflicting classifications (1 of 4 stars). 3 submissions from 3 submitters: Uncertain significance (1); Benign (1); Likely benign (1). Last evaluated 2025-04-25.

Conditions:
Polycystic kidney disease, adult type (PKD1). Also called: Polycystic Kidney Disease 1, Autosomal Dominant; Polycystic kidney disease 1; Polycystic kidney disease 1, severe; Polycystic Kidney, Autosomal Dominant; POLYCYSTIC KIDNEY DISEASE, ADULT, TYPE I; POLYCYSTIC KIDNEY DISEASE 1 WITH OR WITHOUT POLYCYSTIC LIVER DISEASE. Identifiers: MedGen C3149841, MONDO:0008263, OMIM 173900.

gnomAD v4.1: 309 of 1,610,190 alleles (0.019%); highest among the groups gnomAD compares: East Asian, 0.3%; 2 homozygotes.

Submissions (4):

Women's Health and Genetics/Laboratory Corporation of America, LabCorp
Classification: Benign. Last evaluated: 2025-04-25. Review status: criteria provided, single submitter. Criteria: LabCorp Variant Classification Summary - May 2015. Collection method: clinical testing. Allele origin: germline.
Comment: Variant summary: PKD1 c.7566C>T results in a synonymous change. Consensus agreement among computation tools predict no significant impact on normal splicing. However, these predictions have yet to be confirmed by functional studies. The variant allele was found at a frequency of 0.00043 in 243904 control chromosomes, predominantly at a frequency of 0.0049 within the East Asian subpopulation in the gnomAD database, including 2 homozygotes. The observed variant frequency within East Asian control individuals in the gnomAD database exceeds the estimated maximal expected allele frequency for a pathogenic variant in PKD1 causing PKD1-Biallelic Autosomal Recessive Polycystic Kidney Disease phenotype. To our knowledge, no occurrence of c.7566C>T in individuals affected with PKD1-Biallelic Autosomal Recessive Polycystic Kidney Disease and no experimental evidence demonstrating its impact on protein function have been reported. No submitters have cited clinical-significance assessments for this variant to ClinVar. Based on the evidence outlined above, the variant was classified as benign.

Blueprint Genetics
Classification: Likely benign. Last evaluated: 2023-09-26. Review status: criteria provided, single submitter. Criteria: ACMG Guidelines, 2015. Collection method: clinical testing. Allele origin: germline.

Department of Pathology and Laboratory Medicine, Sinai Health System
Classification: Uncertain significance for Polycystic kidney disease, adult type. Last evaluated: 2018-12-11. Review status: criteria provided, single submitter. Criteria: ACMG Guidelines, 2015. Collection method: clinical testing. Allele origin: germline. Affected: yes.

Dr. Peter K. Rogan Lab, Western University
No classification provided (evidence only). Condition: Hepatocellular carcinoma. Review status: no classification provided. Collection method: in vitro. Allele origin: not applicable. Functional consequence: retained intron. Not counted in ClinVar's aggregate classification.

Literature cited by the submitters: PubMed 22185115 (cited by Department of Pathology and Laboratory Medicine, Sinai Health System).